The following is an entry in ClinVar:

ClinVar aggregate classification (germline): Benign. Review status: criteria provided, multiple submitters, no conflicts (2 of 4 stars). 7 submissions from 4 submitters: Benign (7). Last evaluated 2025-06-04.

Conditions:
Diabetes mellitus, permanent neonatal 3. Also called: ABCC8-Related Permanent Neonatal Diabetes Mellitus. Identifiers: MedGen C5394303, MONDO:0030088, OMIM 618857.
Leucine-induced hypoglycemia (LIH). Also called: LEUCINE-SENSITIVE HYPOGLYCEMIA OF INFANCY. Identifiers: MedGen C0271714, MONDO:0009415, OMIM 240800.
Diabetes mellitus, transient neonatal, 2 (TNDM2). Identifiers: Orphanet 99886, MedGen C1835887, MONDO:0012480, OMIM 610374. Disease mechanism: loss of function.
Hyperinsulinemic hypoglycemia, familial, 1 (HHF1). Also called: Persistent hyperinsulinemic hypoglycemia of infancy; HYPERINSULINISM, FAMILIAL, WITH PANCREATIC NESIDIOBLASTOSIS; HYPOGLYCEMIA, HYPERINSULINEMIC, OF INFANCY; NESIDIOBLASTOSIS OF PANCREAS; Persistent Hyperinsulinemia Hypoglycemia of Infancy. Identifiers: Orphanet 276575, Orphanet 276598, MedGen C2931832, MONDO:0009734, OMIM 256450.

Allele frequency attached by ClinVar (database versions not stated): gnomAD 0.71116 and 0.71546; TOPMed 0.72352; ESP Exome Variant Server 0.72799; 1000 Genomes Project 0.73103; 1000 Genomes Project 30x 0.73360.
gnomAD v4.1: 1,043,848 of 1,612,112 alleles (65%); highest among the groups gnomAD compares: African/African-American, 92%; 341,876 homozygotes.

Submissions (7):

Labcorp Genetics (formerly Invitae), Labcorp
Classification: Benign. Last evaluated: 2025-06-04. Review status: criteria provided, single submitter. Criteria: Invitae Variant Classification Sherloc (09022015). Collection method: clinical testing. Allele origin: germline.

Pars Genome Lab
Classification: Benign for Leucine-induced hypoglycemia. Last evaluated: 2021-07-01. Review status: criteria provided, single submitter. Criteria: ACMG Guidelines, 2015. Collection method: clinical testing. Allele origin: germline. Affected: no.

Pars Genome Lab
Classification: Benign for Hyperinsulinemic hypoglycemia, familial, 1. Last evaluated: 2021-07-01. Review status: criteria provided, single submitter. Criteria: ACMG Guidelines, 2015. Collection method: clinical testing. Allele origin: germline. Affected: no.

Pars Genome Lab
Classification: Benign for Diabetes mellitus, transient neonatal, 2. Last evaluated: 2021-07-01. Review status: criteria provided, single submitter. Criteria: ACMG Guidelines, 2015. Collection method: clinical testing. Allele origin: germline. Affected: no.

Pars Genome Lab
Classification: Benign for Diabetes mellitus, permanent neonatal 3. Last evaluated: 2021-07-01. Review status: criteria provided, single submitter. Criteria: ACMG Guidelines, 2015. Collection method: clinical testing. Allele origin: germline. Affected: no.

GeneDx
Classification: Benign. Last evaluated: 2018-08-09. Review status: criteria provided, single submitter. Criteria: GeneDx Variant Classification Process June 2021. Collection method: clinical testing. Allele origin: germline. Affected: yes.
Comment: This variant is associated with the following publications: (PMID: 14551916)

Breakthrough Genomics
Classification: Benign. Review status: criteria provided, single submitter. Criteria: ACMG Guidelines, 2015. Collection method: not provided. Allele origin: germline. Inheritance: Autosomal recessive inheritance. Affected: yes.

NM_000352.6(ABCC8):c.4608+54G>C

Gene: ABCC8 (ATP binding cassette subfamily C member 8; minus strand). Cytogenetic location: 11p15.1.
Variant type: single nucleotide variant.
Coding change: c.4608+54G>C on transcript NM_000352.6 (MANE Select); 54 bases into the intron after coding-DNA position 4608, G replaced by C.
Molecular consequence: intron variant.
Genome position (GRCh38, 1-based): chr11:17,393,643, C>G on the plus strand (G>C on the coding strand, the complement: ABCC8 is on the minus strand). VCF-style: chr11-17393643-C-G. GRCh37 (hg19) VCF-style: chr11-17415190-C-G.
Other names: c.4605+54G>C (NM_001351297.2); c.4608+54G>C (NM_001351296.2); c.4674+54G>C (NM_001351295.2); c.4611+54G>C (NM_001287174.3).
Identifiers: ClinVar variation 1169205 (VCV001169205.14), dbSNP rs4148646, ClinGen allele CA13410945.
Genomic context (GRCh38, chr11:17,393,643, plus strand): 5'-TTCTTTCTTGATTACTGGGACCAGGCAAGCCCAGGGGCTGTGCACTGATGACGGCCACAA[C>G]AGGCCAGTCCTGTCCCTGGGTGTCCCTCTGCACCCCATCAATGGGCCCCTTACCGCGATG-3'